The following is an entry in ClinVar:

ClinVar aggregate classification (germline): Pathogenic (1 of 4 stars; one submission).

Conditions:
Hereditary cancer-predisposing syndrome. Also called: Tumor predisposition; Hereditary Cancer Syndrome; Hereditary neoplastic syndrome; Neoplastic Syndromes, Hereditary. Identifiers: Orphanet 140162, MedGen C0027672, MeSH D009386, MONDO:0015356.

Submission:

GeneDx
Classification: Pathogenic for Neoplastic Syndromes, Hereditary. Last evaluated: 2014-10-09. Review status: criteria provided, single submitter. Criteria: GeneDx Variant Classification (06012015). Collection method: clinical testing. Allele origin: germline. Affected: yes.
Comment: This variant is denoted RAD51D c.270_271insTA (aka c.270_271dupTA) at the cDNA level and p.Lys91IlefsX13 (K91IfsX13) at the protein level. The normal sequence, with the bases that are duplicated in brackets, is TTGA{TA}AACT. The duplication causes a frameshift, which changes a Lysine to an Isoleucine at codon 91 in exon 4, and creates a premature stop codon at position 13 of the new reading frame. This mutation is predicted to cause loss of normal protein function through either protein truncation or nonsense-mediated mRNA decay. We consider this mutation to be pathogenic. There have been multiple reports of a dominantly inherited predisposition to ovarian cancer due to pathogenic mutations in the RAD51D gene. Loveday et al. (2011) first reported this association in a cohort of 911 unrelated breast and ovarian cancer families in which 8 pathogenic mutations were identified. One of 1,060 controls was found to carry a mutation. Seven of the 8 mutations detected were identified in families with at least 2 cases of ovarian cancer. This study estimated that women with a RAD51D mutation have a 6.3-fold increased risk of ovarian cancer translating to a 9% lifetime risk. This study reports a small increased risk for breast cancer, but this was not statistically significant (Loveday 2011). Loveday et al. (2011) also showed that tumor cells with loss of function of RAD51D were sensitive to a clinical PARP inhibitor, and the effect was similar to cells with loss of function of the BRCA2 gene. Osher et al. (2012) reported the finding of one pathogenic RAD51D mutation in a series of 175 breast and ovarian cancer families. The authors conclude that RAD51D mutations are primarily associated with ovarian cancer risk, but that there is a higher frequency of mutations in women with breast cancer who have a family history of ovarian cancer compared to breast cancer only families. This finding is supported in a recent study of 1,060 familial breast and/or ovarian cancer families, 741 of which were breast cancer only families, and 245 unselected ovarian cancer cases. Two deleterious RAD51D mutations were found in the unselected ovarian cancer group leading the authors to conclude that RAD51D mutations are very rare among familial breast cancer cases (Thompson 2013). The variant is found in HEREDICANCER panel(s).

NM_002878.4(RAD51D):c.270_271insTA (p.Lys91Ter)

Genes: RAD51L3-RFFL (RAD51L3-RFFL readthrough; minus strand), RAD51D (RAD51 paralog D; minus strand). Cytogenetic location: 17q12.
Variant type: Insertion.
Coding change: c.270_271insTA on transcript NM_002878.4 (MANE Select); coding-DNA positions 270 to 271, TA inserted.
Protein change: p.Lys91Ter; replaces lysine 91 with a stop codon.
Molecular consequence: nonsense. On other transcripts: non-coding transcript variant (2), intron variant (1).
Genome position: GRCh38 VCF-style: chr17-35107440-T-TTA. GRCh37 (hg19) VCF-style: chr17-33434459-T-TTA.
Other names: c.330_331insTA, p.Lys111Ter (NM_001142571.2); c.145-960_145-959insTA (NM_133629.3); short protein forms K111*, K91*.
Identifiers: ClinVar variation 182848 (VCV000182848.1), dbSNP rs730881943, ClinGen allele CA299909.